The following is an entry in ClinVar:

ClinVar aggregate classification (germline): Uncertain significance. Review status: criteria provided, multiple submitters, no conflicts (2 of 4 stars). 2 submissions from 2 submitters: Uncertain significance (2). Last evaluated 2026-03-19.

Conditions:
Inborn genetic diseases. Identifiers: MedGen C0950123, MeSH D030342.

Submissions (2):

GeneDx
Classification: Uncertain significance. Last evaluated: 2026-03-19. Review status: criteria provided, single submitter. Criteria: GeneDx Variant Classification Process June 2021. Collection method: clinical testing. Allele origin: germline.
Comment: Not observed at significant frequency in large population cohorts (gnomAD); In silico analysis suggests that this missense variant does not alter protein structure/function; Has not been previously published as pathogenic or benign to our knowledge

Ambry Genetics
Classification: Uncertain significance for Inborn genetic diseases. Last evaluated: 2022-04-14. Review status: criteria provided, single submitter. Criteria: Ambry Variant Classification Scheme 2023. Collection method: clinical testing. Allele origin: germline.

NM_001366145.2(TRPM3):c.2527G>A (p.Ala843Thr)

Gene: TRPM3 (transient receptor potential cation channel subfamily M member 3; minus strand). Cytogenetic location: 9q21.12.
Variant type: single nucleotide variant.
Coding change: c.2527G>A on transcript NM_001366145.2 (MANE Select); coding-DNA position 2527, G replaced by A.
Protein change: p.Ala843Thr; replaces alanine 843 with threonine.
Molecular consequence: missense variant.
Genome position (GRCh38, 1-based): chr9:70,610,749, C>T on the plus strand (G>A on the coding strand, the complement: TRPM3 is on the minus strand). VCF-style: chr9-70610749-C-T. GRCh37 (hg19) VCF-style: chr9-73225665-C-T.
Other names: c.2032G>A (NM_020952.4); c.2497G>A, p.Ala833Thr (NM_001366143.2, NM_001366149.2, NM_001366141.2); c.2527G>A, p.Ala843Thr (NM_001366146.2); c.2602G>A, p.Ala868Thr (NM_001366147.2, NM_001366152.2); c.2572G>A, p.Ala858Thr (NM_001366148.2); c.2461G>A, p.Ala821Thr (NM_001366150.2); c.2491G>A, p.Ala831Thr (NM_001366151.2, NM_001007471.4); c.2533G>A, p.Ala845Thr (NM_001366142.2); and 6 more; short protein forms A678T, A703T, A833T, A680T, A821T, A831T, A858T, A668T.
Identifiers: ClinVar variation 2284358 (VCV002284358.3), dbSNP rs2539242893, ClinGen allele CA373556177.